The following is an entry in ClinVar:

NM_182641.4(BPTF):c.7152G>T (p.Gln2384His)

Gene: BPTF (bromodomain PHD finger transcription factor; plus strand). Cytogenetic location: 17q24.2.
Variant type: single nucleotide variant.
Coding change: c.7152G>T on transcript NM_182641.4 (MANE Select); coding-DNA position 7152, G replaced by T.
Protein change: p.Gln2384His; replaces glutamine 2384 with histidine.
Molecular consequence: missense variant.
Genome position (GRCh38, 1-based): chr17:67,945,860, G>T. VCF-style: chr17-67945860-G-T. GRCh37 (hg19) VCF-style: chr17-65941976-G-T.
Other names: c.7530G>T, p.Gln2510His (NM_004459.7); short protein forms Q2384H, Q2510H.
Identifiers: ClinVar variation 2016659 (VCV002016659.4), dbSNP rs2512543268, ClinGen allele CA400724474.

ClinVar aggregate classification (germline): Uncertain significance (1 of 4 stars; one submission).

Submission:

Labcorp Genetics (formerly Invitae), Labcorp
Classification: Uncertain significance. Last evaluated: 2023-10-03. Review status: criteria provided, single submitter. Criteria: Invitae Variant Classification Sherloc (09022015). Collection method: clinical testing. Allele origin: germline.
Comment: This sequence change replaces glutamine, which is neutral and polar, with histidine, which is basic and polar, at codon 2510 of the BPTF protein (p.Gln2510His). This variant is not present in population databases (gnomAD no frequency). This variant has not been reported in the literature in individuals affected with BPTF-related conditions. ClinVar contains an entry for this variant (Variation ID: 2016659). An algorithm developed to predict the effect of missense changes on protein structure and function (PolyPhen-2) suggests that this variant is likely to be disruptive. In summary, the available evidence is currently insufficient to determine the role of this variant in disease. Therefore, it has been classified as a Variant of Uncertain Significance.